The following is an entry in ClinVar:

NM_006087.4(TUBB4A):c.156C>T (p.Asn52=)

Gene: TUBB4A (tubulin beta 4A class IVa; minus strand). Cytogenetic location: 19p13.3.
Variant type: single nucleotide variant.
Coding change: c.156C>T on transcript NM_006087.4 (MANE Select); coding-DNA position 156, C replaced by T.
Protein change: p.Asn52=; no amino-acid change (asparagine 52 retained).
Molecular consequence: synonymous variant. On other transcripts: 5 prime UTR variant (2).
Genome position (GRCh38, 1-based): chr19:6,501,525, G>A on the plus strand (C>T on the coding strand, the complement: TUBB4A is on the minus strand). VCF-style: chr19-6501525-G-A. GRCh37 (hg19) VCF-style: chr19-6501536-G-A.
Other names: c.309C>T, p.Asn103= (NM_001289123.2); c.291C>T, p.Asn97= (NM_001289127.2); c.156C>T, p.Asn52= (NM_001289129.2); c.-61C>T (NM_001289130.2, NM_001289131.2).
Identifiers: ClinVar variation 1649971 (VCV001649971.40), dbSNP rs375230837, ClinGen allele CA9127460.

ClinVar aggregate classification (germline): Likely benign. Review status: criteria provided, multiple submitters, no conflicts (2 of 4 stars). 3 submissions from 3 submitters: Likely benign (3). Last evaluated 2025-01-23.

Conditions:
Leukodystrophy, hypomyelinating, 6. Also called: LEUKODYSTROPHY, HYPOMYELINATING, WITH ATROPHY OF THE BASAL GANGLIA AND CEREBELLUM; TUBB4A-Associated Leukodystrophy; Hypomyelination with Atrophy of Basal Ganglia and Cerebellum (H-ABC). Identifiers: Orphanet 139441, MedGen C2676244, MONDO:0012905, OMIM 612438.

Allele frequency attached by ClinVar (database versions not stated): gnomAD exomes 0.00005; ExAC 0.00006; ESP Exome Variant Server 0.00008; TOPMed 0.00010; gnomAD 0.00011.
gnomAD v4.1: 92 of 1,613,770 alleles (0.0057%); highest among the groups gnomAD compares: Non-Finnish European, 0.0075%; no homozygotes.

Submissions (3):

Labcorp Genetics (formerly Invitae), Labcorp
Classification: Likely benign for Leukodystrophy, hypomyelinating, 6. Last evaluated: 2025-01-23. Review status: criteria provided, single submitter. Criteria: Invitae Variant Classification Sherloc (09022015). Collection method: clinical testing. Allele origin: germline.

Blueprint Genetics
Classification: Likely benign. Last evaluated: 2024-08-19. Review status: criteria provided, single submitter. Criteria: ACMG Guidelines, 2015. Collection method: clinical testing. Allele origin: germline.

CeGaT Center for Human Genetics Tuebingen
Classification: Likely benign. Last evaluated: 2022-05-01. Review status: criteria provided, single submitter. Criteria: CeGaT Center For Human Genetics Tuebingen Variant Classification Criteria Version 2. Collection method: clinical testing. Allele origin: germline. Affected: yes. Observed: 1 variant allele.
Comment: TUBB4A: BP4, BP7